The following is an entry in ClinVar:

NM_172364.5(CACNA2D4):c.2120G>A (p.Arg707His)

Gene: CACNA2D4 (calcium voltage-gated channel auxiliary subunit alpha2delta 4; minus strand). Cytogenetic location: 12p13.33.
Variant type: single nucleotide variant.
Coding change: c.2120G>A on transcript NM_172364.5 (MANE Select); coding-DNA position 2120, G replaced by A.
Protein change: p.Arg707His; replaces arginine 707 with histidine.
Molecular consequence: missense variant.
Genome position (GRCh38, 1-based): chr12:1,856,044, C>T on the plus strand (G>A on the coding strand, the complement: CACNA2D4 is on the minus strand). VCF-style: chr12-1856044-C-T. GRCh37 (hg19) VCF-style: chr12-1965210-C-T.
Other names: short protein forms R707H.
Identifiers: ClinVar variation 307853 (VCV000307853.41), dbSNP rs76064926, ClinGen allele CA6386841.

ClinVar aggregate classification (germline): Benign. Review status: criteria provided, multiple submitters, no conflicts (2 of 4 stars). 5 submissions from 5 submitters: Benign (4). 1 of the submissions does not count toward it. Last evaluated 2026-01-09.

Conditions:
Progressive cone dystrophy (without rod involvement). Identifiers: MedGen C0271092.
Retinal cone dystrophy 4 (RCD4). Identifiers: Orphanet 1872, MedGen C1864849, MONDO:0012507, OMIM 610478.
Cone dystrophy 3 (COD3). Also called: RETINAL CONE DYSTROPHY. Identifiers: Orphanet 1872, MedGen C1865869, MONDO:0011193, OMIM 602093.

Allele frequency attached by ClinVar (database versions not stated): gnomAD exomes 0.00296; ESP Exome Variant Server 0.00313; ExAC 0.00328; gnomAD 0.00329 and 0.00346; TOPMed 0.00450; 1000 Genomes Project 30x 0.00671; 1000 Genomes Project 0.00719.
gnomAD v4.1: 2,510 of 1,613,962 alleles (0.16%); highest among the groups gnomAD compares: East Asian, 2.5%; 33 homozygotes.

Submissions (5):

Labcorp Genetics (formerly Invitae), Labcorp
Classification: Benign. Last evaluated: 2026-01-09. Review status: criteria provided, single submitter. Criteria: Invitae Variant Classification Sherloc (09022015). Collection method: clinical testing. Allele origin: germline.

Mendelics
Classification: Benign for Cone dystrophy 3. Last evaluated: 2023-12-29. Review status: criteria provided, single submitter. Criteria: Mendelics Assertion Criteria 2017. Collection method: clinical testing. Allele origin: unknown.

CeGaT Center for Human Genetics Tuebingen
Classification: Benign. Last evaluated: 2023-02-01. Review status: criteria provided, single submitter. Criteria: CeGaT Center For Human Genetics Tuebingen Variant Classification Criteria Version 2. Collection method: clinical testing. Allele origin: germline. Affected: yes. Observed: 1 variant allele.
Comment: CACNA2D4: BP4, BS1, BS2

Illumina Laboratory Services, Illumina
Classification: Benign for Retinal cone dystrophy 4. Last evaluated: 2018-01-12. Review status: criteria provided, single submitter. Criteria: ICSL Variant Classification Criteria 13 December 2019. Collection method: clinical testing. Allele origin: germline.
Comment: This variant was observed in the ICSL laboratory as part of a predisposition screen in an ostensibly healthy population. It had not been previously curated by ICSL or reported in the Human Gene Mutation Database (HGMD: prior to June 1st, 2018), and was therefore a candidate for classification through an automated scoring system. Utilizing variant allele frequency, disease prevalence and penetrance estimates, and inheritance mode, an automated score was calculated to assess if this variant is too frequent to cause the disease. Based on the score and internal cut-off values, a variant classified as benign is not then subjected to further curation. The score for this variant resulted in a classification of benign for this disease.

Department of Clinical Genetics, Copenhagen University Hospital, Rigshospitalet
Classification: Likely pathogenic for Progressive cone dystrophy (without rod involvement). Last evaluated: 2018-04-01. Review status: no assertion criteria provided. Collection method: research. Allele origin: unknown. Affected: yes. Study: VeluxRD. Not counted in ClinVar's aggregate classification.

Literature cited by the submitters: PubMed 30718709 (cited by Department of Clinical Genetics, Copenhagen University Hospital, Rigshospitalet).